The following is an entry in ClinVar:

ClinVar aggregate classification (germline): Conflicting classifications of pathogenicity. Review status: criteria provided, conflicting classifications (1 of 4 stars). 4 submissions from 4 submitters: Pathogenic (1); Likely pathogenic (1); Uncertain significance (2). Last evaluated 2026-01-09.

Conditions:
Hereditary cancer-predisposing syndrome. Also called: Neoplastic Syndromes, Hereditary; Hereditary Cancer Syndrome; Hereditary neoplastic syndrome; Tumor predisposition. Identifiers: Orphanet 140162, MedGen C0027672, MeSH D009386, MONDO:0015356.
Familial colorectal cancer. Identifiers: MedGen CN280943, MONDO:0023113. Disease mechanism: loss of function.

Allele frequency attached by ClinVar (database versions not stated): TOPMed 0.00001; gnomAD 0.00001; gnomAD exomes 0.00001.
gnomAD v4.1: 9 of 1,613,720 alleles (0.00056%); highest among the groups gnomAD compares: South Asian, 0.0055%; no homozygotes.

Submissions (4):

Ambry Genetics
Classification: Uncertain significance for Hereditary cancer-predisposing syndrome. Last evaluated: 2026-01-09. Review status: criteria provided, single submitter. Criteria: Ambry Variant Classification Scheme 2023. Collection method: clinical testing. Allele origin: germline.
Comment: The p.R2145* variant (also known as c.6433C>T), located in coding exon 46 of the POLE gene, results from a C to T substitution at nucleotide position 6433. This changes the amino acid from an arginine to a stop codon within coding exon 46. This alteration is expected to result in loss of function by premature protein truncation or nonsense-mediated mRNA decay. Although biallelic loss of function of POLE has been associated with autosomal recessive POLE deficiency, haploinsufficiency of POLE has not been established as a mechanism of disease for POLE-related polymerase proofreading-associated polyposis (PPAP) and POLE-related CMMRD-like syndrome. Based on the supporting evidence, this variant is expected to be causative of POLE deficiency when present along with a second pathogenic variant on the other allele; however, its clinical significance for PPAP and POLE-related CMMRD-like syndrome is unclear.

Dasa
Classification: Likely pathogenic. Last evaluated: 2025-10-17. Review status: criteria provided, single submitter. Criteria: DASA Assertion Criteria. Collection method: clinical testing. Allele origin: germline.
Comment: NM_006231.4(POLE):c.6433C>T (p.Arg2145*) is a nonsense variant in POLE predicted to introduce a premature termination codon and is predicted to result in an absent or altered protein product. Loss of function is an established disease mechanism for POLE-associated disorders. Also, this variant is rare in population databases. Based on the currently available evidence, this variant is classified as likely pathogenic.

Labcorp Genetics (formerly Invitae), Labcorp
Classification: Pathogenic. Last evaluated: 2025-04-07. Review status: criteria provided, single submitter. Criteria: Invitae Variant Classification Sherloc (09022015). Collection method: clinical testing. Allele origin: germline.
Comment: This sequence change creates a premature translational stop signal (p.Arg2145*) in the POLE gene. It is expected to result in an absent or disrupted protein product. Loss-of-function variants in POLE are known to be pathogenic (PMID: 23230001, 25948378, 30503519). This variant is present in population databases (no rsID available, gnomAD 0.006%). This variant has not been reported in the literature in individuals affected with POLE-related conditions. ClinVar contains an entry for this variant (Variation ID: 584829). For these reasons, this variant has been classified as Pathogenic.

Mendelics
Classification: Uncertain significance for Familial colorectal cancer. Last evaluated: 2018-07-02. Review status: criteria provided, single submitter. Criteria: Mendelics Assertion Criteria 2017. Collection method: clinical testing. Allele origin: unknown.

Literature cited by the submitters: PubMed 23230001 (cited by Labcorp Genetics (formerly Invitae), Labcorp); PubMed 25948378 (cited by Labcorp Genetics (formerly Invitae), Labcorp); PubMed 30503519 (cited by Labcorp Genetics (formerly Invitae), Labcorp).

NM_006231.4(POLE):c.6433C>T (p.Arg2145Ter)

Gene: POLE (DNA polymerase epsilon, catalytic subunit; minus strand). Cytogenetic location: 12q24.33.
Variant type: single nucleotide variant.
Coding change: c.6433C>T on transcript NM_006231.4 (MANE Select); coding-DNA position 6433, C replaced by T.
Protein change: p.Arg2145Ter; replaces arginine 2145 with a stop codon.
Molecular consequence: nonsense.
Genome position (GRCh38, 1-based): chr12:132,626,215, G>A on the plus strand (C>T on the coding strand, the complement: POLE is on the minus strand). VCF-style: chr12-132626215-G-A. GRCh37 (hg19) VCF-style: chr12-133202801-G-A.
Other names: short protein forms R2145*.
Identifiers: ClinVar variation 584829 (VCV000584829.18), dbSNP rs1451513451, ClinGen allele CA387367573.
Genomic context (GRCh38, chr12:132,626,215, plus strand): 5'-GGCAGAAGTTACAGCTGCGGCAGATGACCTCAGGAAGCACGTAGGAGCGGCAGGGGTCTC[G>A]GAACTGGGCCTCCTCGGAGAACTCGCCGACATCCACCAGGCGAAGCAGGTCTCGGTTCAG-3'